The following is an entry in ClinVar:

ClinVar aggregate classification (germline): Conflicting classifications of pathogenicity. Review status: criteria provided, conflicting classifications (1 of 4 stars). 11 submissions from 11 submitters: Uncertain significance (1); Benign (1); Likely benign (6). 3 of the submissions do not count toward it. Last evaluated 2026-01-31.

Conditions:
ELP1-related disorder. Also called: ELP1-related condition.
Familial dysautonomia. Also called: HSAN III; FD. Identifiers: Orphanet 1764, MedGen C0013364, MONDO:0009131, OMIM 223900. Disease mechanism: loss of function.

Allele frequency attached by ClinVar (database versions not stated): TOPMed 0.00014; ESP Exome Variant Server 0.00015; gnomAD 0.00035 and 0.00038.
gnomAD v4.1: 447 of 1,613,678 alleles (0.028%); highest among the groups gnomAD compares: Non-Finnish European, 0.026%; 1 homozygote.

Submissions (11):

Labcorp Genetics (formerly Invitae), Labcorp
Classification: Likely benign. Last evaluated: 2026-01-31. Review status: criteria provided, single submitter. Criteria: Invitae Variant Classification Sherloc (09022015). Collection method: clinical testing. Allele origin: germline.

CeGaT Center for Human Genetics Tuebingen
Classification: Likely benign. Last evaluated: 2026-01-01. Review status: criteria provided, single submitter. Criteria: CeGaT Center For Human Genetics Tuebingen Variant Classification Criteria Version 2. Collection method: clinical testing. Allele origin: germline. Affected: yes. Observed: 4 variant alleles.
Comment: ELP1: BP4, BP7

Mayo Clinic Laboratories, Mayo Clinic
Classification: Likely benign. Last evaluated: 2025-11-07. Review status: criteria provided, single submitter. Criteria: ACMG Guidelines, 2015. Collection method: clinical testing. Allele origin: germline. Observed: 2 variant alleles.
Comment: BP4, BP7

PreventionGenetics, part of Exact Sciences
Classification: Likely benign for ELP1-related condition. Last evaluated: 2025-09-10. Review status: criteria provided, single submitter. Criteria: ACMG Guidelines, 2015. Collection method: clinical testing. Allele origin: germline.
Comment: This variant is classified as likely benign based on ACMG/AMP sequence variant interpretation guidelines (Richards et al. 2015 PMID: 25741868, with internal and published modifications).

Blueprint Genetics
Classification: Likely benign. Last evaluated: 2024-11-18. Review status: criteria provided, single submitter. Criteria: ACMG Guidelines, 2015. Collection method: clinical testing. Allele origin: germline.

Ambry Genetics
Classification: Likely benign. Last evaluated: 2023-05-19. Review status: criteria provided, single submitter. Criteria: Ambry Variant Classification Scheme 2023. Collection method: clinical testing. Allele origin: germline.

Illumina Laboratory Services, Illumina
Classification: Uncertain significance for Familial dysautonomia. Last evaluated: 2018-01-13. Review status: criteria provided, single submitter. Criteria: ICSL Variant Classification Criteria 13 December 2019. Collection method: clinical testing. Allele origin: germline.

GeneDx
Classification: Benign. Last evaluated: 2015-03-03. Review status: criteria provided, single submitter. Criteria: GeneDx Variant Classification Process June 2021. Collection method: clinical testing. Allele origin: germline. Affected: yes.

Natera, Inc.
Classification: Likely benign for Familial dysautonomia. Last evaluated: 2017-11-14. Review status: no assertion criteria provided. Collection method: clinical testing. Allele origin: germline. Not counted in ClinVar's aggregate classification.

Clinical Genetics, Academic Medical Center
Classification: Likely benign. Review status: no assertion criteria provided. Collection method: clinical testing. Allele origin: germline. Affected: yes. Study: VKGL Data-share Consensus. Not counted in ClinVar's aggregate classification.

Genome Diagnostics Laboratory, University Medical Center Utrecht
Classification: Likely benign. Review status: no assertion criteria provided. Collection method: clinical testing. Allele origin: germline. Affected: yes. Study: VKGL Data-share Consensus. Not counted in ClinVar's aggregate classification.

NM_003640.5(ELP1):c.1911T>C (p.Val637=)

Gene: ELP1 (elongator acetyltransferase complex subunit 1; minus strand). Cytogenetic location: 9q31.3.
Variant type: single nucleotide variant.
Coding change: c.1911T>C on transcript NM_003640.5 (MANE Select); coding-DNA position 1911, T replaced by C.
Protein change: p.Val637=; no amino-acid change (valine 637 retained).
Molecular consequence: synonymous variant.
Genome position (GRCh38, 1-based): chr9:108,901,528, A>G on the plus strand (T>C on the coding strand, the complement: ELP1 is on the minus strand). VCF-style: chr9-108901528-A-G. GRCh37 (hg19) VCF-style: chr9-111663808-A-G.
Other names: p.Val637=; c.1911T>C (LRG_251t1, NM_003640.4); c.1569T>C, p.Val523= (NM_001318360.2); c.864T>C, p.Val288= (NM_001330749.2).
Identifiers: ClinVar variation 364569 (VCV000364569.52), dbSNP rs369645371, ClinGen allele CA5174837.